The following is an entry in ClinVar:

NM_032444.4(SLX4):c.2478_2480del (p.Glu829del)

Gene: SLX4 (SLX4 structure-specific endonuclease subunit; minus strand). Cytogenetic location: 16p13.3.
Variant type: Deletion.
Coding change: c.2478_2480del on transcript NM_032444.4 (MANE Select); coding-DNA positions 2478 to 2480, 3 bases deleted (AGA; older notation c.2478_2480delAGA).
Protein change: p.Glu829del; deletes glutamic acid 829.
Molecular consequence: inframe deletion.
Genome position (GRCh38, 1-based): chr16:3,591,158-3,591,160, TCT deleted on the plus strand (AGA on the coding strand, the reverse complement: SLX4 is on the minus strand); deleting any 3 consecutive bases within chr16:3,591,158-3,591,162 gives the same sequence; the c. name uses the placement nearest the transcript's 3' end. VCF-style (leftmost placement, unchanged base first): chr16-3591157-CTCT-C. GRCh37 (hg19) VCF-style: chr16-3641158-CTCT-C.
Other names: short protein forms E829del.
Identifiers: ClinVar variation 2147965 (VCV002147965.5), dbSNP rs1277052467, ClinGen allele CA620714004.

ClinVar aggregate classification (germline): Uncertain significance. Review status: criteria provided, multiple submitters, no conflicts (2 of 4 stars). 2 submissions from 2 submitters: Uncertain significance (2). Last evaluated 2024-01-02.

Conditions:
Fanconi anemia (FA). Also called: Fanconi's anemia. Identifiers: Orphanet 84, MedGen C0015625, MeSH D005199, MONDO:0019391.

Submissions (2):

Blueprint Genetics
Classification: Uncertain significance. Last evaluated: 2024-01-02. Review status: criteria provided, single submitter. Criteria: ACMG Guidelines, 2015. Collection method: clinical testing. Allele origin: germline.

Labcorp Genetics (formerly Invitae), Labcorp
Classification: Uncertain significance for Fanconi anemia. Last evaluated: 2022-04-15. Review status: criteria provided, single submitter. Criteria: Invitae Variant Classification Sherloc (09022015). Collection method: clinical testing. Allele origin: germline.
Comment: In summary, the available evidence is currently insufficient to determine the role of this variant in disease. Therefore, it has been classified as a Variant of Uncertain Significance. Experimental studies and prediction algorithms are not available or were not evaluated, and the functional significance of this variant is currently unknown. This variant has not been reported in the literature in individuals affected with SLX4-related conditions. This variant is present in population databases (no rsID available, gnomAD 0.002%). This variant, c.2478_2480del, results in the deletion of 1 amino acid(s) of the SLX4 protein (p.Glu829del), but otherwise preserves the integrity of the reading frame.